The following is an entry in ClinVar:

ClinVar aggregate classification (germline): Uncertain significance. Review status: criteria provided, single submitter (1 of 4 stars). 2 submissions from 2 submitters: Uncertain significance (1). 1 of the submissions does not count toward it. Last evaluated 2026-01-24.

Conditions:
Angioedema, hereditary, 5. Identifiers: MedGen C5543508, MONDO:0030293, OMIM 619361.

Allele frequency attached by ClinVar (database versions not stated): ExAC 0.00001; gnomAD 0.00001; gnomAD exomes 0.00001; TOPMed 0.00001.
gnomAD v4.1: 14 of 1,613,754 alleles (0.00087%); highest among the groups gnomAD compares: Non-Finnish European, 0.0012%; no homozygotes.

Submissions (2):

Labcorp Genetics (formerly Invitae), Labcorp
Classification: Uncertain significance. Last evaluated: 2026-01-24. Review status: criteria provided, single submitter. Criteria: Invitae Variant Classification Sherloc (09022015). Collection method: clinical testing. Allele origin: germline.
Comment: This sequence change replaces alanine, which is neutral and non-polar, with serine, which is neutral and polar, at codon 119 of the ANGPT1 protein (p.Ala119Ser). This variant is present in population databases (rs764987358, gnomAD 0.004%). This missense change has been observed in individual(s) with clinical features of autosomal dominant angioedema (PMID: 28601681). It has also been observed to segregate with disease in related individuals. ClinVar contains an entry for this variant (Variation ID: 1162304). An algorithm developed to predict the effect of missense changes on protein structure and function (PolyPhen-2) suggests that this variant is likely to be disruptive. Experimental studies have shown that this missense change affects ANGPT1 function (PMID: 28601681, 30689269). In summary, the available evidence is currently insufficient to determine the role of this variant in disease. Therefore, it has been classified as a Variant of Uncertain Significance.

OMIM
Classification: Pathogenic for ANGIOEDEMA, HEREDITARY, 5 (1 family). Last evaluated: 2023-11-13. Review status: no assertion criteria provided. Collection method: literature only. Allele origin: germline. Not counted in ClinVar's aggregate classification.

Literature cited by the submitters: PubMed 28601681 (cited by Labcorp Genetics (formerly Invitae), Labcorp and OMIM); PubMed 30689269 (cited by Labcorp Genetics (formerly Invitae), Labcorp and OMIM).

NM_001146.5(ANGPT1):c.355G>T (p.Ala119Ser)

Gene: ANGPT1 (angiopoietin 1; minus strand). Cytogenetic location: 8q23.1.
Variant type: single nucleotide variant.
Coding change: c.355G>T on transcript NM_001146.5 (MANE Select); coding-DNA position 355, G replaced by T.
Protein change: p.Ala119Ser; replaces alanine 119 with serine.
Molecular consequence: missense variant.
Genome position (GRCh38, 1-based): chr8:107,347,040, C>A on the plus strand (G>T on the coding strand, the complement: ANGPT1 is on the minus strand). VCF-style: chr8-107347040-C-A. GRCh37 (hg19) VCF-style: chr8-108359268-C-A.
Other names: A119S; c.355G>T, p.Ala119Ser (NM_001199859.3).
Identifiers: ClinVar variation 1162304 (VCV001162304.7), dbSNP rs764987358, ClinGen allele CA4841384.